The following is an entry in ClinVar:

ClinVar aggregate classification (germline): Uncertain significance. Review status: criteria provided, multiple submitters, no conflicts (2 of 4 stars). 7 submissions from 7 submitters: Uncertain significance (7). Last evaluated 2025-12-21.

Conditions:
Chuvash polycythemia. Also called: POLYCYTHEMIA, VHL-DEPENDENT. Identifiers: Orphanet 238557, MedGen C1837915, MONDO:0009892, OMIM 263400.
Von Hippel-Lindau syndrome (VHLS). Also called: Von Hippel-Lindau; VHL syndrome; von Hippel–Lindau syndrome. Identifiers: Orphanet 892, MedGen C0019562, MONDO:0008667, OMIM 193300. Disease mechanism: loss of function.
Hereditary cancer-predisposing syndrome. Also called: Hereditary neoplastic syndrome; Neoplastic Syndromes, Hereditary; Hereditary Cancer Syndrome; Tumor predisposition. Identifiers: Orphanet 140162, MedGen C0027672, MeSH D009386, MONDO:0015356.
VHL-related disorder. Also called: VHL-related condition.

Allele frequency attached by ClinVar (database versions not stated): TOPMed 0.00001; gnomAD exomes 0.00002.
gnomAD v4.1: 29 of 1,607,336 alleles (0.0018%); highest among the groups gnomAD compares: Middle Eastern, 0.017%; no homozygotes.

Submissions (7):

Labcorp Genetics (formerly Invitae), Labcorp
Classification: Uncertain significance for Von Hippel-Lindau syndrome; Chuvash polycythemia. Last evaluated: 2025-12-21. Review status: criteria provided, single submitter. Criteria: Invitae Variant Classification Sherloc (09022015). Collection method: clinical testing. Allele origin: germline.
Comment: This sequence change replaces glutamine, which is neutral and polar, with arginine, which is basic and polar, at codon 73 of the VHL protein (p.Gln73Arg). This variant is not present in population databases (gnomAD no frequency). This missense change has been observed in individual(s) with clinical features of VHL-related conditions (PMID: 31159747). ClinVar contains an entry for this variant (Variation ID: 584568). Invitae Evidence Modeling of protein sequence and biophysical properties (such as structural, functional, and spatial information, amino acid conservation, physicochemical variation, residue mobility, and thermodynamic stability) indicates that this missense variant is expected to disrupt VHL protein function with a positive predictive value of 95%. In summary, the available evidence is currently insufficient to determine the role of this variant in disease. Therefore, it has been classified as a Variant of Uncertain Significance.

Ambry Genetics
Classification: Uncertain significance for Hereditary cancer-predisposing syndrome. Last evaluated: 2025-02-25. Review status: criteria provided, single submitter. Criteria: Ambry Variant Classification Scheme 2023. Collection method: clinical testing. Allele origin: germline.
Comment: The p.Q73R variant (also known as c.218A>G), located in coding exon 1 of the VHL gene, results from an A to G substitution at nucleotide position 218. The glutamine at codon 73 is replaced by arginine, an amino acid with highly similar properties. This amino acid position is well conserved in available vertebrate species. In addition, the in silico prediction for this alteration is inconclusive. Based on the available evidence, the clinical significance of this variant remains unclear.

Blueprint Genetics
Classification: Uncertain significance. Last evaluated: 2024-06-10. Review status: criteria provided, single submitter. Criteria: ACMG Guidelines, 2015. Collection method: clinical testing. Allele origin: germline.

GeneDx
Classification: Uncertain significance. Last evaluated: 2023-12-18. Review status: criteria provided, single submitter. Criteria: GeneDx Variant Classification Process June 2021. Collection method: clinical testing. Allele origin: germline.
Comment: Not observed at significant frequency in large population cohorts (gnomAD); In silico analysis supports that this missense variant does not alter protein structure/function; Observed in an individual undergoing multi-gene hereditary cancer genetic testing (PMID: 31159747); This variant is associated with the following publications: (PMID: 31159747)

Baylor Genetics
Classification: Uncertain significance for Chuvash polycythemia. Last evaluated: 2023-10-16. Review status: criteria provided, single submitter. Criteria: ACMG Guidelines, 2015. Collection method: clinical testing. Allele origin: unknown.

PreventionGenetics, part of Exact Sciences
Classification: Uncertain significance for VHL-related condition. Last evaluated: 2023-09-18. Review status: criteria provided, single submitter. Criteria: ACMG Guidelines, 2015. Collection method: clinical testing. Allele origin: germline.
Comment: The VHL c.218A>G variant is predicted to result in the amino acid substitution p.Gln73Arg. This variant has been reported with uncertain significance in a large study of individuals with personal or family history of breast and/or ovarian cancer (Table S5 in Tsaousis et al. 2019. PubMed ID: 31159747). This variant has not been reported in a large population database, indicating this variant is rare. This variant has been classified as uncertain in the ClinVar database. At this time, the clinical significance of this variant is uncertain due to the absence of conclusive functional and genetic evidence.

GeneKor MSA
Classification: Uncertain significance for Hereditary cancer-predisposing syndrome. Last evaluated: 2018-08-01. Review status: criteria provided, single submitter. Criteria: ACMG Guidelines, 2015. Collection method: clinical testing. Allele origin: germline.

Literature cited by the submitters: PubMed 31159747 (cited by Labcorp Genetics (formerly Invitae), Labcorp).

NM_000551.4(VHL):c.218A>G (p.Gln73Arg)

Gene: VHL (von Hippel-Lindau tumor suppressor; plus strand). Cytogenetic location: 3p25.3.
Variant type: single nucleotide variant.
Coding change: c.218A>G on transcript NM_000551.4 (MANE Select); coding-DNA position 218, A replaced by G.
Protein change: p.Gln73Arg; replaces glutamine 73 with arginine.
Molecular consequence: missense variant.
Genome position (GRCh38, 1-based): chr3:10,142,065, A>G. VCF-style: chr3-10142065-A-G. GRCh37 (hg19) VCF-style: chr3-10183749-A-G.
Other names: c.218A>G, p.Gln73Arg (NM_001354723.2, NM_198156.3); short protein forms Q73R.
Identifiers: ClinVar variation 584568 (VCV000584568.19), dbSNP rs1295818809, ClinGen allele CA351749128.